The following is an entry in ClinVar:

NM_198428.3(BBS9):c.1792C>T (p.Arg598Ter)

Gene: BBS9 (Bardet-Biedl syndrome 9; plus strand). Cytogenetic location: 7p14.3.
Variant type: single nucleotide variant.
Coding change: c.1792C>T on transcript NM_198428.3 (MANE Select); coding-DNA position 1792, C replaced by T.
Protein change: p.Arg598Ter; replaces arginine 598 with a stop codon.
Molecular consequence: nonsense. On other transcripts: non-coding transcript variant (3).
Genome position (GRCh38, 1-based): chr7:33,383,668, C>T. VCF-style: chr7-33383668-C-T. GRCh37 (hg19) VCF-style: chr7-33423280-C-T.
Other names: c.1687C>T, p.Arg563Ter (NM_001033604.2); c.1777C>T, p.Arg593Ter (NM_001033605.2); c.1792C>T, p.Arg598Ter (NM_001348036.1, NM_001348041.4, NM_001348043.3 and 1 more transcripts); c.1426C>T, p.Arg476Ter (NM_001348037.3, NM_001348045.3, NM_001348046.3); c.1519C>T, p.Arg507Ter (NM_001348038.3); c.1414C>T, p.Arg472Ter (NM_001348039.3); c.1672C>T, p.Arg558Ter (NM_001348040.3, NM_014451.4); c.1657C>T, p.Arg553Ter (NM_001348042.3); and 1 more; short protein forms R598*, R476*, R507*, R593*, R563*, R441*, R472*, R553*.
Identifiers: ClinVar variation 2657 (VCV000002657.14), dbSNP rs137852856, ClinGen allele CA252384.
Genomic context (GRCh38, chr7:33,383,668, plus strand): 5'-TAGCTTTATCTAGTAATTCTGTGTTACTAAGCATTTTTCCTTAATTTTTTTCTCTCAGAA[C>T]GATATCGCATTCAGAGTGAACAATTTGAAGATCTTTGGCTCATAACCAATGAGCTTATTC-3'

ClinVar aggregate classification (germline): Pathogenic/Likely pathogenic. Review status: criteria provided, multiple submitters, no conflicts (2 of 4 stars). 10 submissions from 9 submitters: Pathogenic (6); Likely pathogenic (2). 2 of the submissions do not count toward it. Last evaluated 2026-09-09.

Conditions:
BBS9-related disorder. Also called: BBS9-related condition.
Bardet-Biedl syndrome (BBS). Identifiers: Orphanet 110, MedGen C0752166, MONDO:0015229.
Nephronophthisis 4 (NPHP4). Also called: NEPHRONOPHTHISIS 4, JUVENILE. Identifiers: Orphanet 655, MedGen C1847013, MONDO:0011752, OMIM 606966.
Bardet-Biedl syndrome 9 (BBS9). Identifiers: Orphanet 110, MedGen C1859567, MONDO:0014437, OMIM 615986.

Allele frequency attached by ClinVar (database versions not stated): ExAC 0.00001; gnomAD exomes 0.00001 and 0.00002; TOPMed 0.00002; gnomAD 0.00003.
gnomAD v4.1: 38 of 1,603,096 alleles (0.0024%); highest among the groups gnomAD compares: African/African-American, 0.004%; no homozygotes.

Submissions (10):

PreventionGenetics, part of Exact Sciences
Classification: Pathogenic for BBS9-related condition. Last evaluated: 2026-09-09. Review status: criteria provided, single submitter. Criteria: ACMG Guidelines, 2015. Collection method: clinical testing. Allele origin: germline.
Comment: The BBS9 c.1792C>T variant is predicted to result in premature protein termination (p.Arg598*). This variant has been reported in the homozygous state in an individual with Bardet-Biedl syndrome (Nishimura et al 2005. PubMed ID: 16380913). This variant is reported in 0.0029% of alleles in individuals of Latino descent in gnomAD. Nonsense variants in BBS9 are expected to be pathogenic. This variant is interpreted as pathogenic.

Genomic Medicine Center of Excellence, King Faisal Specialist Hospital and Research Centre
Classification: Likely pathogenic for Bardet-Biedl syndrome 9. Last evaluated: 2025-09-10. Review status: criteria provided, single submitter. Criteria: ACMG Guidelines, 2015. Collection method: clinical testing. Allele origin: germline.

Genomic Medicine Center of Excellence, King Faisal Specialist Hospital and Research Centre
Classification: Likely pathogenic for Nephronophthisis 4. Last evaluated: 2024-12-17. Review status: criteria provided, single submitter. Criteria: ACMG Guidelines, 2015. Collection method: clinical testing. Allele origin: germline.

Department of Clinical Genetics, Medical University of Lodz
Classification: Pathogenic for Bardet-Biedl syndrome 9. Last evaluated: 2024-11-27. Review status: criteria provided, single submitter. Criteria: ACMG Guidelines, 2015. Collection method: clinical testing. Allele origin: biparental. Inheritance: Autosomal dominant inheritance. Affected: yes. Observed: 1 variant allele.
Comment: The stop variant causes Bardet-Biedl syndrome.

Fulgent Genetics
Classification: Pathogenic for Bardet-Biedl syndrome 9. Last evaluated: 2024-03-26. Review status: criteria provided, single submitter. Criteria: ACMG Guidelines, 2015. Collection method: clinical testing. Allele origin: germline.

Neuberg Centre For Genomic Medicine, NCGM
Classification: Pathogenic for Bardet-Biedl syndrome 9. Last evaluated: 2024-02-01. Review status: criteria provided, single submitter. Criteria: ACMG Guidelines, 2015. Collection method: clinical testing. Allele origin: germline. Inheritance: Autosomal recessive inheritance. Affected: yes.
Comment: The above variant has been reported previously in homozygous state in individual(s) affected with Bardet–Biedl syndrome (Nishimura DY et al 2005) and this variant is predicted to cause a loss of normal proteinfunction through protein truncation. Loss of function variants have been previously reported to be disease causing (Muller J et al 2010).

Labcorp Genetics (formerly Invitae), Labcorp
Classification: Pathogenic for Bardet-Biedl syndrome. Last evaluated: 2023-11-06. Review status: criteria provided, single submitter. Criteria: Invitae Variant Classification Sherloc (09022015). Collection method: clinical testing. Allele origin: germline.
Comment: This sequence change creates a premature translational stop signal (p.Arg598*) in the BBS9 gene. It is expected to result in an absent or disrupted protein product. Loss-of-function variants in BBS9 are known to be pathogenic (PMID: 16380913, 20177705). The frequency data for this variant in the population databases is considered unreliable, as metrics indicate poor data quality at this position in the gnomAD database. This premature translational stop signal has been observed in individual(s) with Bardet-Biedl syndrome (PMID: 16380913, 30614526). ClinVar contains an entry for this variant (Variation ID: 2657). For these reasons, this variant has been classified as Pathogenic.

Baylor Genetics
Classification: Pathogenic for Bardet-Biedl syndrome 9. Last evaluated: 2022-09-13. Review status: criteria provided, single submitter. Criteria: ACMG Guidelines, 2015. Collection method: clinical testing. Allele origin: unknown.

Laboratory of Medical Genetics (UMR_S 1112), INSERM/Strasbourg University
Classification: Pathogenic for Bardet-Biedl syndrome. Last evaluated: 2018-09-15. Review status: no assertion criteria provided. Collection method: provider interpretation. Allele origin: germline. Affected: yes. Study: French fetal BBS cohort. Not counted in ClinVar's aggregate classification.

OMIM
Classification: Pathogenic for BARDET-BIEDL SYNDROME 9. Last evaluated: 2005-12-01. Review status: no assertion criteria provided. Collection method: literature only. Allele origin: germline. Not counted in ClinVar's aggregate classification.

Literature cited by the submitters: DOI 10.1038/gim.2015.30 (cited by Department of Clinical Genetics, Medical University of Lodz); PubMed 16380913 (cited by Labcorp Genetics (formerly Invitae), Labcorp and OMIM); PubMed 20177705 (cited by Labcorp Genetics (formerly Invitae), Labcorp); PubMed 30614526 (cited by Labcorp Genetics (formerly Invitae), Labcorp and Laboratory of Medical Genetics (UMR_S 1112), INSERM/Strasbourg University).